The following is an entry in ClinVar:

NM_004517.4(ILK):c.918C>T (p.Ala306=)

Genes: ILK (integrin linked kinase; plus strand), TAF10 (TATA-box binding protein associated factor 10; minus strand). Cytogenetic location: 11p15.4.
Variant type: single nucleotide variant.
Coding change: c.918C>T on transcript NM_004517.4 (MANE Select); coding-DNA position 918, C replaced by T.
Protein change: p.Ala306=; no amino-acid change (alanine 306 retained).
Molecular consequence: synonymous variant. On other transcripts: 3 prime UTR variant (1).
Genome position (GRCh38, 1-based): chr11:6,609,785, C>T. VCF-style: chr11-6609785-C-T. GRCh37 (hg19) VCF-style: chr11-6631016-C-T.
Other names: p.A306A:GCC>GCT; c.918C>T, p.Ala306= (NM_001014794.3, NM_001014795.3); c.735C>T, p.Ala245= (NM_001278441.2); c.516C>T, p.Ala172= (NM_001278442.2); c.*1137G>A (NM_006284.4).
Identifiers: ClinVar variation 137591 (VCV000137591.18), dbSNP rs2292195, ClinGen allele CA333080.

ClinVar aggregate classification (germline): Benign. Review status: criteria provided, multiple submitters, no conflicts (2 of 4 stars). 5 submissions from 5 submitters: Benign (5). Last evaluated 2026-02-04.

Conditions:
Primary familial hypertrophic cardiomyopathy (HCM). Identifiers: Orphanet 99739, MedGen C0949658, MeSH D024741, MONDO:0024573. Inheritance: Various modes of inheritance.

Allele frequency attached by ClinVar (database versions not stated): 1000 Genomes Project 0.16014; 1000 Genomes Project 30x 0.16318; TOPMed 0.21012; gnomAD 0.21807 and 0.22020; ExAC 0.22688; ESP Exome Variant Server 0.22734; gnomAD exomes 0.22827 and 0.24939.

Submissions (5):

Labcorp Genetics (formerly Invitae), Labcorp
Classification: Benign for Primary familial hypertrophic cardiomyopathy. Last evaluated: 2026-02-04. Review status: criteria provided, single submitter. Criteria: Invitae Variant Classification Sherloc (09022015). Collection method: clinical testing. Allele origin: germline.

Ambry Genetics
Classification: Benign. Last evaluated: 2019-02-07. Review status: criteria provided, single submitter. Criteria: Ambry Variant Classification Scheme 2023. Collection method: clinical testing. Allele origin: germline.

Laboratory for Molecular Medicine, Mass General Brigham Personalized Medicine
Classification: Benign. Last evaluated: 2014-11-24. Review status: criteria provided, single submitter. Criteria: LMM Criteria. Collection method: clinical testing. Allele origin: germline. Observed: 189 variant alleles.
Comment: Ala306Ala in exon 10 of ILK: This variant is not expected to have clinical signi ficance because it does not alter an amino acid residue and is not located withi n the splice consensus sequence. It has been identified in 26.5% (2274/8592) of European American chromosomes from a broad population by the NHLBI Exome Sequenc ing Project (dbSNP rs2292195).

GeneDx
Classification: Benign. Last evaluated: 2013-11-22. Review status: criteria provided, single submitter. Criteria: GeneDx Variant Classification (06012015). Collection method: clinical testing. Allele origin: germline. Affected: yes.
Comment: This variant is considered likely benign or benign based on one or more of the following criteria: it is a conservative change, it occurs at a poorly conserved position in the protein, it is predicted to be benign by multiple in silico algorithms, and/or has population frequency not consistent with disease.

Breakthrough Genomics
Classification: Benign. Review status: criteria provided, single submitter. Criteria: ACMG Guidelines, 2015. Collection method: not provided. Allele origin: germline. Inheritance: Unknown mechanism. Affected: yes.